The following is an entry in ClinVar:

NM_033131.4(WNT3A):c.437C>T (p.Pro146Leu)

Gene: WNT3A (Wnt family member 3A; plus strand). Cytogenetic location: 1q42.13.
Variant type: single nucleotide variant.
Coding change: c.437C>T on transcript NM_033131.4 (MANE Select); coding-DNA position 437, C replaced by T.
Protein change: p.Pro146Leu; replaces proline 146 with leucine.
Molecular consequence: missense variant.
Genome position (GRCh38, 1-based): chr1:228,050,779, C>T. VCF-style: chr1-228050779-C-T. GRCh37 (hg19) VCF-style: chr1-228238480-C-T.
Other names: short protein forms P146L.
Identifiers: ClinVar variation 1376979 (VCV001376979.6), dbSNP rs988241577, ClinGen allele CA39147217.

ClinVar aggregate classification (germline): Uncertain significance (1 of 4 stars; one submission).

Allele frequency attached by ClinVar (database versions not stated): TOPMed 0.00001.

Submission:

Labcorp Genetics (formerly Invitae), Labcorp
Classification: Uncertain significance. Last evaluated: 2024-05-06. Review status: criteria provided, single submitter. Criteria: Invitae Variant Classification Sherloc (09022015). Collection method: clinical testing. Allele origin: germline.
Comment: This sequence change replaces proline, which is neutral and non-polar, with leucine, which is neutral and non-polar, at codon 146 of the WNT3A protein (p.Pro146Leu). This variant is not present in population databases (gnomAD no frequency). This variant has not been reported in the literature in individuals affected with WNT3A-related conditions. ClinVar contains an entry for this variant (Variation ID: 1376979). Advanced modeling of protein sequence and biophysical properties (such as structural, functional, and spatial information, amino acid conservation, physicochemical variation, residue mobility, and thermodynamic stability) performed at Invitae indicates that this missense variant is not expected to disrupt WNT3A protein function with a negative predictive value of 80%. In summary, the available evidence is currently insufficient to determine the role of this variant in disease. Therefore, it has been classified as a Variant of Uncertain Significance.